The following is an entry in ClinVar:

NM_024685.4(BBS10):c.1987C>T (p.His663Tyr)

Gene: BBS10 (Bardet-Biedl syndrome 10; minus strand). Cytogenetic location: 12q21.2.
Variant type: single nucleotide variant.
Coding change: c.1987C>T on transcript NM_024685.4 (MANE Select); coding-DNA position 1987, C replaced by T.
Protein change: p.His663Tyr; replaces histidine 663 with tyrosine.
Molecular consequence: missense variant.
Genome position (GRCh38, 1-based): chr12:76,345,998, G>A on the plus strand (C>T on the coding strand, the complement: BBS10 is on the minus strand). VCF-style: chr12-76345998-G-A. GRCh37 (hg19) VCF-style: chr12-76739778-G-A.
Other names: short protein forms H663Y.
Identifiers: ClinVar variation 3771933 (VCV003771933.13).

ClinVar aggregate classification (germline): Uncertain significance (1 of 4 stars; one submission).

gnomAD v4.1: 1 of 1,613,972 alleles (0.000062%); highest among the groups gnomAD compares: Non-Finnish European, 0.000085%; no homozygotes.

Submission:

CeGaT Center for Human Genetics Tuebingen
Classification: Uncertain significance. Last evaluated: 2025-02-01. Review status: criteria provided, single submitter. Criteria: CeGaT Center For Human Genetics Tuebingen Variant Classification Criteria Version 2. Collection method: clinical testing. Allele origin: germline. Affected: yes. Observed: 1 variant allele.
Comment: BBS10: PM2, PM3